The following is an entry in ClinVar:

ClinVar aggregate classification (germline): Pathogenic/Likely pathogenic. Review status: criteria provided, multiple submitters, no conflicts (2 of 4 stars). 11 submissions from 11 submitters: Pathogenic (7); Likely pathogenic (4). Last evaluated 2025-12-31.

Conditions:
COL2A1-related disorder. Also called: COL2A1-related condition; COL2A1-related disorders.
Spondyloepiphyseal dysplasia congenita (SEDC). Also called: SED CONGENITA; SPONDYLOEPIPHYSEAL DYSPLASIA, CONGENITAL TYPE. Identifiers: Orphanet 94068, MedGen C2745959, MONDO:0008471, OMIM 183900.
Stickler syndrome type 1 (STL1). Also called: ARTHROOPHTHALMOPATHY, HEREDITARY PROGRESSIVE; STICKLER SYNDROME, MEMBRANOUS VITREOUS TYPE; STICKLER SYNDROME, VITREOUS TYPE 1; COL2A1-Related Stickler Syndrome. Identifiers: Orphanet 828, Orphanet 90653, MedGen C2020284, MONDO:0007160, OMIM 108300.
Autosomal dominant COL2A1-related disorders.
Spondyloepiphyseal dysplasia with metatarsal shortening. Also called: CZECH DYSPLASIA, METATARSAL TYPE; SPONDYLOEPIPHYSEAL DYSPLASIA WITH PRECOCIOUS OSTEOARTHRITIS; Pseudorheumatoid dysplasia progressive, with hypoplastic toes. Identifiers: Orphanet 137678, MedGen C1836683, MONDO:0012206, OMIM 609162.
Spondyloepiphyseal dysplasia, Stanescu type. Also called: SED, STANESCU TYPE; SPONDYLOEPIMETAPHYSEAL DYSPLASIA, STANESCU TYPE. Identifiers: Orphanet 459051, MedGen C4225273, MONDO:0014701, OMIM 616583.
Spondylometaphyseal dysplasia, Schmidt type (SMDALG). Also called: SPONDYLOMETAPHYSEAL DYSPLASIA, ALGERIAN TYPE; SPONDYLOMETAPHYSEAL DYSPLASIA WITH SEVERE GENU VALGUM. Identifiers: Orphanet 93316, MedGen C1866688, MONDO:0008478, OMIM 184253.
Vitreoretinopathy with phalangeal epiphyseal dysplasia (VPED). Identifiers: MedGen C1852989, MONDO:0031001, OMIM 619248.
Namaqualand hip dysplasia (OSCDP). Also called: Mild spondyloepiphyseal dysplasia due to COL2A1 mutation with early-onset osteoarthritis. Identifiers: Orphanet 93279, MedGen C0432214, MONDO:0011496, OMIM 604864.
Achondrogenesis type II (ACG2). Also called: ACHONDROGENESIS, LANGER-SALDINO TYPE; CHONDROGENESIS IMPERFECTA. Identifiers: Orphanet 932, Orphanet 93296, MedGen C0220685, MONDO:0008702, OMIM 200610.
Multiple epiphyseal dysplasia, Beighton type. Identifiers: Orphanet 166011, MedGen C1851536, MONDO:0007562, OMIM 132450.
Stickler syndrome, type I, nonsyndromic ocular. Also called: STICKLER SYNDROME, ATYPICAL; STICKLER SYNDROME, TYPE I, PREDOMINANTLY OCULAR. Identifiers: MedGen C1836080, MONDO:0012287, OMIM 609508.
Platyspondylic dysplasia, Torrance type (PLSDT). Identifiers: Orphanet 85166, MedGen C1835437, MONDO:0007895, OMIM 151210.
Spondyloperipheral dysplasia. Also called: Spondyloperipheral dysplasia-short ulna syndrome; SPONDYLOPERIPHERAL DYSPLASIA WITH SHORT ULNA. Identifiers: Orphanet 1856, MedGen C0796173, MONDO:0010078, OMIM 271700.
Avascular necrosis of femoral head, primary, 1 (ANFH1). Also called: Avascular necrosis of femoral head, primary. Identifiers: Orphanet 86820, MedGen C4551562, MONDO:0054550, OMIM 608805.
Kniest dysplasia. Identifiers: Orphanet 485, MedGen C0265279, MONDO:0007987, OMIM 156550.
Spondyloepimetaphyseal dysplasia, Strudwick type (SEMDSTWK). Also called: DAPPLED METAPHYSIS SYNDROME; STRUDWICK SYNDROME. Identifiers: Orphanet 93346, MedGen C0700635, MONDO:0008476, OMIM 184250.
Legg-Calve-Perthes disease. Also called: PERTHES DISEASE; Osteochondritis deformans; Coxa plana; Avascular necrosis of the capital femoral epiphysis. Identifiers: Orphanet 2380, MedGen C1442965, MONDO:0007885, OMIM 150600, HP:0005743.

Allele frequency attached by ClinVar (database versions not stated): gnomAD exomes below 0.00001.
gnomAD v4.1: 2 of 1,613,732 alleles (0.00012%); highest among the groups gnomAD compares: Admixed American, 0.0017%; no homozygotes.

Submissions 1 to 3 of 11:

Variantyx, Inc.
Classification: Pathogenic for Autosomal dominant COL2A1-related disorders. Last evaluated: 2025-12-31. Review status: criteria provided, single submitter. Criteria: Variantyx Assertion Criteria 2022. Collection method: clinical testing. Allele origin: de novo. Inheritance: Autosomal dominant inheritance. Affected: yes.
Comment: This is a nonsynonymous variant in the COL2A1 gene (OMIM: 120140). Pathogenic variants in this gene have been associated with autosomal dominant COL2A1-related disorders. This variant likely occurred de novo in individuals reported in the published literature; however, the possibility of parental germline mosaicism cannot be excluded (PMID: 34516402) (PS2_Supporting). It has been reported in several unrelated affected individuals (PMID: 22791362, 25863096, 34122524) (PS4) and observed to segregate with disease in at least 5 individuals from 2 families (PMID: 25863096, 22791362) (PP1). This variant lies within a known hotspot for pathogenic variants or a well-established critical functional domain of the COL2A1 protein (PMID: 35296718, 7695699, 8218237, 19344236) (PM1) and multiple computational algorithms predict a deleterious effect for this variant (REVEL score: 0.987) (PP3). This variant has a 0.0017% maximum allele frequency in non-founder control populations (PM2). Based on the current evidence, this variant is classified as pathogenic for autosomal dominant COL2A1-related disorders.

Centro Nacional de Genética Medica, Administración Nacional de Laboratorios e Institutos de Salud (ANLIS) “Dr. Carlos G Malbrán”
Classification: Pathogenic for Spondyloepiphyseal dysplasia congenita. Last evaluated: 2025-11-15. Review status: criteria provided, single submitter. Criteria: ACMG Guidelines, 2015. Collection method: clinical testing. Allele origin: germline. Affected: yes. Observed: 1 variant allele.
Comment: This substitution predicts a change from the amino acid glycine (missense) at position 687, which has a small, nonpolar side chain, to serine, which has a polar side chain with an uncharged hydroxyl group (p.Gly687Ser). The primary structure of collagen contains 35% glycine (Gly), 11% alanine (Ala), and 21% proline (Pro) and 4-hydroxyproline (4-hyP). This unusual content is related to the structural constraints of the collagen helix, resulting in Gly-X-Y repeats where X is Pro and Y is 4-hyP. This motif is formed by the aforementioned repeating triplets. The Gly residues (the smallest amino acid in nature) allow the alpha-1 chains and X and Y to be structured in such a way as to give rise to the twists of the collagen helix. This results in a tight packing of the fiber, which gives it tensile strength (PMID: 29632050; PMID: 31972903). The variant found in the patient corresponds to the Gly of the Gly-X-Y triplet repeat motif, so the suggested biological hypothesis is that the change affects the primary structure and therefore the proper packing of the collagen fiber, resulting in the aforementioned dominant-negative effect (PMID:35907616; PMID:26626311) (PM1). Several publications describe the same variant found in the patient in an individual with DCS, in both cases inherited paternally (PMID: 25863096; PMID: 35907616). In anothers, authors describe the variant in patients with DCS (PMID:26626311, PMID:34122524) describe it in one (PS4_Moderate). In other report the variant p.Gly687Arg in a patient with DCS with a change at the same amino acid position was classified as pathogenic (PMID: 31972903) (PM5). The variant found is present at low frequency in population databases such as GnomAD, ExAc, and 1000 Genomes (frequency: 1.3e-6) (PM2_Supporting). There is a report of a three-generation family where they found the variant in the patient's father, uncle, and grandmother; in all cases, the individuals presented with clinical symptoms of DCS (PMID:34623491). There is a five-generation family where they found the variant in the patient's father, uncle, cousin, grandmother, and great-aunt; in all cases, the individuals presented clinical symptoms of DCS (PMID:35907616) (PP1). The gene has poor tolerance to missense changes, as shown in the GnomAD database (Genome Aggregation Database (gnomAD v4.1.0™) with a Z-score greater than 3.09 (Z = 5.37) and a higher proportion of pathogenic than benign variants (463 pathogenic/123 benign) (PP2). Most bioinformatics predictors (such as AlphaMissense, Revel, and BayesDel, among others) classify the variant as deleterious (PP3). The patient's phenotype is consistent with SEDC a explained its clinic (PP4).

3billion
Classification: Pathogenic for COL2A1-related disorder. Last evaluated: 2025-01-17. Review status: criteria provided, single submitter. Criteria: ACMG Guidelines, 2015. Collection method: clinical testing. Allele origin: germline. Affected: yes.
Comment: The variant is observed at an extremely low frequency in the gnomAD v4.1.0 dataset (total allele frequency: <0.001%). Predicted Consequence/Location: The variant is located in a mutational hot spot and/or well-established functional domain in which established pathogenic variants have been reported (PMID: 26626311). In silico tool predictions suggest damaging effect of the variant on gene or gene product [REVEL: 0.99 (>=0.6, sensitivity 0.68 and specificity 0.92); 3Cnet: 0.99 (>=0.6, sensitivity 0.72 and precision 0.9)]. The same nucleotide change resulting in the same amino acid change has been previously reported as pathogenic/likely pathogenic with strong evidence (ClinVar ID: VCV000988569 /PMID: 22791362 /3billion dataset). Different missense changes at the same codon (p.Gly687Arg, p.Gly687Asp) have been reported to be associated with COL2A1-related disorder (PMID: 22791362). Therefore, this variant is classified as Pathogenic according to the recommendation of ACMG/AMP guideline.

NM_001844.5(COL2A1):c.2059G>A (p.Gly687Ser)

Gene: COL2A1 (collagen type II alpha 1 chain; minus strand). Cytogenetic location: 12q13.11.
Variant type: single nucleotide variant.
Coding change: c.2059G>A on transcript NM_001844.5 (MANE Select); coding-DNA position 2059, G replaced by A.
Protein change: p.Gly687Ser; replaces glycine 687 with serine.
Molecular consequence: missense variant.
Genome position (GRCh38, 1-based): chr12:47,983,128, C>T on the plus strand (G>A on the coding strand, the complement: COL2A1 is on the minus strand). VCF-style: chr12-47983128-C-T. GRCh37 (hg19) VCF-style: chr12-48376911-C-T.
Other names: c.1852G>A, p.Gly618Ser (NM_033150.3); short protein forms G618S, G687S.
Identifiers: ClinVar variation 988569 (VCV000988569.20), dbSNP rs1939189846, ClinGen allele CA16609685.
Genomic context (GRCh38, chr12:47,983,128, plus strand): 5'-CCGCATTGGCCAACAGGATACTCACCCTGGGACCCACGAGGCCAGGGGCTCCAGCTTCAC[C>T]GGGAACACCCTGGAGAACAAAGAAAGATGTGTGAGAGTGAAGGCTTCATATCACAGACCC-3'
Protein context (NP_001835.3, residues 677-697): GGKPGDQGVP[Gly687Ser]EAGAPGLVGP